The following is an entry in ClinVar:

NM_001286445.3(RIPOR2):c.2805A>G (p.Glu935=)

Gene: RIPOR2 (RHO family interacting cell polarization regulator 2; minus strand). Cytogenetic location: 6p22.3.
Variant type: single nucleotide variant.
Coding change: c.2805A>G on transcript NM_001286445.3 (MANE Select); coding-DNA position 2805, A replaced by G.
Protein change: p.Glu935=; no amino-acid change (glutamic acid 935 retained).
Molecular consequence: synonymous variant.
Genome position (GRCh38, 1-based): chr6:24,825,289, T>C on the plus strand (A>G on the coding strand, the complement: RIPOR2 is on the minus strand). VCF-style: chr6-24825289-T-C. GRCh37 (hg19) VCF-style: chr6-24825517-T-C.
Other names: c.2718A>G, p.Glu906= (NM_001346031.2, NM_001346032.2); c.2868A>G, p.Glu956= (NM_014722.5).
Identifiers: ClinVar variation 4984649 (VCV004984649.1).

ClinVar aggregate classification (germline): Uncertain significance (1 of 4 stars; one submission).

Conditions:
RIPOR2-related disorder. Also called: RIPOR2-related condition.

gnomAD v4.1: 1 of 1,551,782 alleles (0.000064%); highest among the groups gnomAD compares: South Asian, 0.0012%; no homozygotes.

Submission:

PreventionGenetics, part of Exact Sciences
Classification: Uncertain significance for RIPOR2-related condition. Last evaluated: 2024-11-18. Review status: criteria provided, single submitter. Criteria: ACMG Guidelines, 2015. Collection method: clinical testing. Allele origin: germline.
Comment: The RIPOR2 c.2868A>G variant is not predicted to result in an amino acid change (p.=). This variant is predicted to create a cryptic splice donor site (SpliceAI, Jaganathan et al. 2019. PubMed ID: 30661751). To our knowledge, this variant has not been reported in the literature or in a large population database (gnomAD), indicating this variant is rare. At this time, the clinical significance of this variant is uncertain due to the absence of conclusive functional and genetic evidence.